The following is an entry in ClinVar:

NM_030667.3(PTPRO):c.1891+6G>T

Gene: PTPRO (protein tyrosine phosphatase receptor type O; plus strand). Cytogenetic location: 12p12.3.
Variant type: single nucleotide variant.
Coding change: c.1891+6G>T on transcript NM_030667.3 (MANE Select); 6 bases into the intron after coding-DNA position 1891, G replaced by T.
Molecular consequence: intron variant.
Genome position (GRCh38, 1-based): chr12:15,520,318, G>T. VCF-style: chr12-15520318-G-T. GRCh37 (hg19) VCF-style: chr12-15673252-G-T.
Other names: c.1891+6G>T (NM_002848.4).
Identifiers: ClinVar variation 3061149 (VCV003061149.2), dbSNP rs1358474515, ClinGen allele CA2740092341.

ClinVar aggregate classification (germline): Likely benign (0 of 4 stars; one submission).

Conditions:
PTPRO-related disorder. Also called: PTPRO-related condition.

Submission:

PreventionGenetics, part of Exact Sciences
Classification: Likely benign for PTPRO-related condition. Last evaluated: 2024-01-25. Review status: no assertion criteria provided. Collection method: clinical testing. Allele origin: germline.
Comment: This variant is classified as likely benign based on ACMG/AMP sequence variant interpretation guidelines (Richards et al. 2015 PMID: 25741868, with internal and published modifications).